The following is an entry in ClinVar:

ClinVar aggregate classification (germline): Uncertain significance (1 of 4 stars; one submission).

Conditions:
Ataxia - intellectual disability - oculomotor apraxia - cerebellar cysts syndrome. Also called: Poretti-Boltshauser syndrome. Identifiers: Orphanet 370022, MedGen C4014821, MONDO:0014419, OMIM 615960.

Allele frequency attached by ClinVar (database versions not stated): gnomAD exomes below 0.00001 and 0.00001; TOPMed below 0.00001.
gnomAD v4.1: 3 of 1,613,950 alleles (0.00019%); highest among the groups gnomAD compares: Admixed American, 0.0033%; no homozygotes.

Submission:

Baylor Genetics
Classification: Uncertain significance for Ataxia - intellectual disability - oculomotor apraxia - cerebellar cysts syndrome. Last evaluated: 2018-03-01. Review status: criteria provided, single submitter. Criteria: ACMG Guidelines, 2015. Collection method: clinical testing. Allele origin: paternal. Affected: yes.
Comment: This variant was determined to be of uncertain significance according to ACMG Guidelines, 2015 [PMID:25741868].

NM_005559.4(LAMA1):c.1862C>T (p.Thr621Ile)

Gene: LAMA1 (laminin subunit alpha 1; minus strand). Cytogenetic location: 18p11.31.
Variant type: single nucleotide variant.
Coding change: c.1862C>T on transcript NM_005559.4 (MANE Select); coding-DNA position 1862, C replaced by T.
Protein change: p.Thr621Ile; replaces threonine 621 with isoleucine.
Molecular consequence: missense variant.
Genome position (GRCh38, 1-based): chr18:7,034,668, G>A on the plus strand (C>T on the coding strand, the complement: LAMA1 is on the minus strand). VCF-style: chr18-7034668-G-A. GRCh37 (hg19) VCF-style: chr18-7034667-G-A.
Other names: short protein forms T621I.
Identifiers: ClinVar variation 1032331 (VCV001032331.1), dbSNP rs1372291355, ClinGen allele CA401830558.